The following is an entry in ClinVar:

ClinVar aggregate classification (germline): Uncertain significance. Review status: criteria provided, multiple submitters, no conflicts (2 of 4 stars). 4 submissions from 4 submitters: Uncertain significance (4). Last evaluated 2026-01-14.

Conditions:
PLEC-related disorder. Also called: PLEC-related condition; PLEC-related disorders.
Epidermolysis bullosa simplex, Ogna type (EBS5A). Also called: Pidermolysis bullosa simplex 5A, Ogna type; EPIDERMOLYSIS BULLOSA SIMPLEX 5A, OGNA TYPE. Identifiers: Orphanet 79401, MedGen C0432317, MONDO:0007555, OMIM 131950.
Epidermolysis bullosa simplex with nail dystrophy (EBS5D). Identifiers: MedGen C4225309, MONDO:0014661, OMIM 616487.
Autosomal recessive limb-girdle muscular dystrophy type 2Q (LGMDR17). Also called: MUSCULAR DYSTROPHY, LIMB-GIRDLE, AUTOSOMAL RECESSIVE 17. Identifiers: Orphanet 254361, MedGen C3150989, MONDO:0013390, OMIM 613723.
Epidermolysis bullosa simplex 5C, with pyloric atresia (EBS5C). Also called: PLEC-Related Epidermolysis Bullosa with Pyloric Atresia; Epidermolysis bullosa simplex with pyloric atresia; PLEC1-Related Epidermolysis Bullosa with Pyloric Atresia. Identifiers: Orphanet 158684, MedGen C2677349, MONDO:0012807, OMIM 612138.
Epidermolysis bullosa simplex 5B, with muscular dystrophy (EBS5B). Also called: Epidermolysis bullosa simplex with muscular dystrophy; EPIDERMOLYSIS BULLOSA SIMPLEX AND LIMB-GIRDLE MUSCULAR DYSTROPHY. Identifiers: Orphanet 257, MedGen C2931072, MONDO:0009181, OMIM 226670.

Allele frequency attached by ClinVar (database versions not stated): gnomAD exomes 0.00002; TOPMed 0.00004; ExAC 0.00005; ESP Exome Variant Server 0.00008.

Submissions (4):

PreventionGenetics, part of Exact Sciences
Classification: Uncertain significance for PLEC-related condition. Last evaluated: 2026-01-14. Review status: criteria provided, single submitter. Criteria: ACMG Guidelines, 2015. Collection method: clinical testing. Allele origin: germline.
Comment: The PLEC c.6871C>T variant is predicted to result in the amino acid substitution p.Arg2291Cys. To our knowledge, this variant has not been reported in the literature. This variant is reported in 0.010% of alleles in individuals of East Asian descent in gnomAD. At this time, the clinical significance of this variant is uncertain due to the absence of conclusive functional and genetic evidence.

Labcorp Genetics (formerly Invitae), Labcorp
Classification: Uncertain significance for Autosomal recessive limb-girdle muscular dystrophy type 2Q; Epidermolysis bullosa simplex, Ogna type; Epidermolysis bullosa simplex with nail dystrophy; Epidermolysis bullosa simplex 5C, with pyloric atresia; Epidermolysis bullosa simplex 5B, with muscular dystrophy. Last evaluated: 2025-10-27. Review status: criteria provided, single submitter. Criteria: Invitae Variant Classification Sherloc (09022015). Collection method: clinical testing. Allele origin: germline.
Comment: This sequence change replaces arginine, which is basic and polar, with cysteine, which is neutral and slightly polar, at codon 2291 of the PLEC protein (p.Arg2291Cys). This variant is present in population databases (rs371749261, gnomAD 0.01%). This variant has not been reported in the literature in individuals affected with PLEC-related conditions. ClinVar contains an entry for this variant (Variation ID: 229151). An algorithm developed to predict the effect of missense changes on protein structure and function (PolyPhen-2) suggests that this variant is likely to be disruptive. In summary, the available evidence is currently insufficient to determine the role of this variant in disease. Therefore, it has been classified as a Variant of Uncertain Significance.

Revvity Omics, Revvity
Classification: Uncertain significance. Last evaluated: 2019-07-25. Review status: criteria provided, single submitter. Criteria: ACMG Guidelines, 2015. Collection method: clinical testing. Allele origin: germline.

Laboratory for Molecular Medicine, Mass General Brigham Personalized Medicine
Classification: Uncertain significance. Last evaluated: 2016-03-03. Review status: criteria provided, single submitter. Criteria: LMM Criteria. Collection method: clinical testing. Allele origin: germline. Observed: 2 variant alleles.
Comment: The p.Arg2401Cys variant in PLEC has not been previously reported in individuals with myopathy, but has been identified in 4/63054 European chromosomes by the E xome Aggregation Consortium (ExAC; dbSNP rs37174 9261). Computational prediction tools and conservation analysis do not provide s trong support for or against an impact to the protein. In summary, the clinical significance of the p.Arg2401Cys variant is uncertain.

NM_201384.3(PLEC):c.6790C>T (p.Arg2264Cys)

Gene: PLEC (plectin; minus strand). Cytogenetic location: 8q24.3.
Variant type: single nucleotide variant.
Coding change: c.6790C>T on transcript NM_201384.3 (MANE Select); coding-DNA position 6790, C replaced by T.
Protein change: p.Arg2264Cys; replaces arginine 2264 with cysteine.
Molecular consequence: missense variant.
Genome position (GRCh38, 1-based): chr8:143,923,139, G>A on the plus strand (C>T on the coding strand, the complement: PLEC is on the minus strand). VCF-style: chr8-143923139-G-A. GRCh37 (hg19) VCF-style: chr8-144997307-G-A.
Other names: c.6871C>T, p.Arg2291Cys (NM_000445.5); c.6748C>T, p.Arg2250Cys (NM_201378.4); c.6724C>T, p.Arg2242Cys (NM_201379.3); c.7201C>T, p.Arg2401Cys (NM_201380.4); c.6694C>T, p.Arg2232Cys (NM_201381.3); c.6790C>T, p.Arg2264Cys (NM_201382.4); c.6802C>T, p.Arg2268Cys (NM_201383.3); c.6871C>T (NM_000445.3); short protein forms R2232C, R2242C, R2250C, R2264C, R2268C, R2291C, R2401C.
Identifiers: ClinVar variation 229151 (VCV000229151.14), dbSNP rs371749261, ClinGen allele CA4925859.